The following is an entry in ClinVar:

NM_000489.6(ATRX):c.1974T>G (p.Arg658=)

Gene: ATRX (ATRX chromatin remodeler; minus strand). Cytogenetic location: Xq21.1.
Variant type: single nucleotide variant.
Coding change: c.1974T>G on transcript NM_000489.6 (MANE Select); coding-DNA position 1974, T replaced by G.
Protein change: p.Arg658=; no amino-acid change (arginine 658 retained).
Molecular consequence: synonymous variant.
Genome position (GRCh38, 1-based): chrX:77,683,282, A>C on the plus strand (T>G on the coding strand, the complement: ATRX is on the minus strand). VCF-style: chrX-77683282-A-C. GRCh37 (hg19) VCF-style: chrX-76938774-A-C.
Other names: NM_000489.5(ATRX):c.1974T>G; p.Arg658=; c.1860T>G, p.Arg620= (NM_138270.5).
Identifiers: ClinVar variation 699023 (VCV000699023.12), dbSNP rs1603222314, ClinGen allele CA517472460.
Genomic context (GRCh38, chrX:77,683,282, plus strand): 5'-ATCTGAATTAGATGTTACAGGGTTAGTTTCTGTCGGTCGCCTCAAGGGTGTAGTCTTTAC[A>C]CGTGGGGATCTTCGAAGATCAGATTCCTCTAAAAGTAATGAAACTTCATTTTCAACCAAA-3'
Protein context (NP_000480.3, residues 648-668): LEESDLRRSP[Arg658=]VKTTPLRRPT

ClinVar aggregate classification (germline): Conflicting classifications of pathogenicity. Review status: criteria provided, conflicting classifications (1 of 4 stars). 3 submissions from 3 submitters: Uncertain significance (1); Likely benign (2). Last evaluated 2025-11-20.

Conditions:
ATRX-related disorder. Also called: ATRX-related condition.
Alpha thalassemia-X-linked intellectual disability syndrome (ATRX). Also called: ATR-X syndrome; Alpha thalassemia mental retardation syndrome, nondeletion type, X-linked; XLMR hypotonic face syndrome; ALPHA-THALASSEMIA/MENTAL RETARDATION SYNDROME, X-LINKED; ATR, NONDELETION TYPE; X-linked alpha-thalassemia-mental retardation syndrome. Identifiers: Orphanet 847, MedGen C1845055, MONDO:0010519, OMIM 301040.
Intellectual disability-hypotonic facies syndrome, X-linked, 1 (MRXHF1). Also called: Smith Fineman Myers syndrome 1; CHUDLEY-LOWRY SYNDROME; Chudley syndrome 1; Chudley-Lowry-Hoar syndrome; Carpenter-Waziri syndrome; X-linked intellectual disability-hypotonic face syndrome. Identifiers: Orphanet 73220, Orphanet 93970, Orphanet 93971, Orphanet 93972, Orphanet 93973, Orphanet 93974, Orphanet 93975, MedGen C4759781, MONDO:0010663, OMIM 309580.

Allele frequency attached by ClinVar (database versions not stated): gnomAD exomes below 0.00001.
gnomAD v4.1: 1 of 1,210,538 alleles (0.000083%); highest among the groups gnomAD compares: Non-Finnish European, 0.00011%; no homozygotes.

Submissions (3):

PreventionGenetics, part of Exact Sciences
Classification: Likely benign for ATRX-related condition. Last evaluated: 2025-11-20. Review status: criteria provided, single submitter. Criteria: ACMG Guidelines, 2015. Collection method: clinical testing. Allele origin: germline.
Comment: This variant is classified as likely benign based on ACMG/AMP sequence variant interpretation guidelines (Richards et al. 2015 PMID: 25741868, with internal and published modifications).

Labcorp Genetics (formerly Invitae), Labcorp
Classification: Likely benign for Alpha thalassemia-X-linked intellectual disability syndrome. Last evaluated: 2023-04-06. Review status: criteria provided, single submitter. Criteria: Invitae Variant Classification Sherloc (09022015). Collection method: clinical testing. Allele origin: germline.

Broad Center for Mendelian Genomics, Broad Institute of MIT and Harvard
Classification: Uncertain significance for Intellectual disability-hypotonic facies syndrome, X-linked, 1. Last evaluated: 2022-05-04. Review status: criteria provided, single submitter. Criteria: ACMG Guidelines, 2015. Collection method: curation. Allele origin: germline. Inheritance: X-linked inheritance.
Comment: The variant has not been previously reported in individuals with x-linked mental retardation-hypotonic facies syndrome and was absent from large population studies. This variant has been reported in ClinVar (Variation ID: 699023) as likely benign by Invitae. Computational prediction tools and conservation analyses suggest that this variant may impact the protein, though this information is not predictive enough to determine pathogenicity. In summary, the clinical significance of the c.1974T>G variant is uncertain. ACMG/AMP Criteria applied: PM2, PP3 (Richards 2015).